The following is an entry in ClinVar:

ClinVar aggregate classification (germline): Uncertain significance (1 of 4 stars; one submission).

Conditions:
Werner syndrome (WRN). Identifiers: Orphanet 902, MedGen C0043119, MONDO:0010196, OMIM 277700.

Submission:

Labcorp Genetics (formerly Invitae), Labcorp
Classification: Uncertain significance for Werner syndrome. Last evaluated: 2022-02-17. Review status: criteria provided, single submitter. Criteria: Invitae Variant Classification Sherloc (09022015). Collection method: clinical testing. Allele origin: germline.
Comment: In summary, the available evidence is currently insufficient to determine the role of this variant in disease. Therefore, it has been classified as a Variant of Uncertain Significance. Variants that disrupt the consensus splice site are a relatively common cause of aberrant splicing (PMID: 17576681, 9536098). Algorithms developed to predict the effect of sequence changes on RNA splicing suggest that this variant is not likely to affect RNA splicing. ClinVar contains an entry for this variant (Variation ID: 950219). This variant has not been reported in the literature in individuals affected with WRN-related conditions. This variant is not present in population databases (gnomAD no frequency). This sequence change falls in intron 24 of the WRN gene. It does not directly change the encoded amino acid sequence of the WRN protein. It affects a nucleotide within the consensus splice site.

Literature cited by the submitters: PubMed 17576681; PubMed 9536098.

NM_000553.6(WRN):c.2968-3C>T

Gene: WRN (WRN RecQ like helicase; plus strand). Cytogenetic location: 8p12.
Variant type: single nucleotide variant.
Coding change: c.2968-3C>T on transcript NM_000553.6 (MANE Select); 3 bases into the intron before coding-DNA position 2968, C replaced by T.
Molecular consequence: intron variant.
Genome position (GRCh38, 1-based): chr8:31,141,427, C>T. VCF-style: chr8-31141427-C-T. GRCh37 (hg19) VCF-style: chr8-30998943-C-T.
Identifiers: ClinVar variation 950219 (VCV000950219.6), dbSNP rs1401784396, ClinGen allele CA581428488.